The following is an entry in ClinVar:

ClinVar aggregate classification (germline): Uncertain significance (1 of 4 stars; one submission).

Submission:

GeneDx
Classification: Uncertain significance. Last evaluated: 2019-10-16. Review status: criteria provided, single submitter. Criteria: GeneDx Variant Classification Process June 2021. Collection method: clinical testing. Allele origin: germline. Affected: yes.
Comment: Not observed in large population cohorts (Lek et al., 2016); Nonsense variant predicted to result in protein truncation or nonsense mediated decay in a gene for which loss-of-function is not a known mechanism of disease; Has not been previously published as pathogenic or benign to our knowledge

NM_001128840.3(CACNA1D):c.3784A>T (p.Lys1262Ter)

Gene: CACNA1D (calcium voltage-gated channel subunit alpha1 D; plus strand). Cytogenetic location: 3p21.1.
Variant type: single nucleotide variant.
Coding change: c.3784A>T on transcript NM_001128840.3 (MANE Select); coding-DNA position 3784, A replaced by T.
Protein change: p.Lys1262Ter; replaces lysine 1262 with a stop codon.
Molecular consequence: nonsense.
Genome position (GRCh38, 1-based): chr3:53,753,680, A>T. VCF-style: chr3-53753680-A-T. GRCh37 (hg19) VCF-style: chr3-53787707-A-T.
Other names: c.3844A>T, p.Lys1282Ter (NM_000720.4); c.3784A>T, p.Lys1262Ter (NM_001128839.3); short protein forms K1262*, K1282*.
Identifiers: ClinVar variation 1308833 (VCV001308833.2), dbSNP rs2108892143, ClinGen allele CA353251967.